The following is an entry in ClinVar:

NM_144670.6(A2ML1):c.352C>A (p.Gln118Lys)

Genes: A2ML1 (alpha-2-macroglobulin like 1; plus strand), A2ML1-AS1 (A2ML1 antisense RNA 1; minus strand). Cytogenetic location: 12p13.31.
Variant type: single nucleotide variant.
Coding change: c.352C>A on transcript NM_144670.6 (MANE Select); coding-DNA position 352, C replaced by A.
Protein change: p.Gln118Lys; replaces glutamine 118 with lysine.
Molecular consequence: missense variant.
Genome position (GRCh38, 1-based): chr12:8,823,825, C>A. VCF-style: chr12-8823825-C-A. GRCh37 (hg19) VCF-style: chr12-8976421-C-A.
Other names: short protein forms Q118K.
Identifiers: ClinVar variation 3626067 (VCV003626067.2).

ClinVar aggregate classification (germline): Uncertain significance (1 of 4 stars; one submission).

gnomAD v4.1: 2 of 1,614,062 alleles (0.00012%); highest among the groups gnomAD compares: South Asian, 0.0022%; no homozygotes.

Submission:

Labcorp Genetics (formerly Invitae), Labcorp
Classification: Uncertain significance. Last evaluated: 2025-11-24. Review status: criteria provided, single submitter. Criteria: Invitae Variant Classification Sherloc (09022015). Collection method: clinical testing. Allele origin: germline.
Comment: This sequence change replaces glutamine, which is neutral and polar, with lysine, which is basic and polar, at codon 118 of the A2ML1 protein (p.Gln118Lys). This variant is not present in population databases (gnomAD no frequency). This variant has not been reported in the literature in individuals affected with A2ML1-related conditions. ClinVar contains an entry for this variant (Variation ID: 3626067). An algorithm developed to predict the effect of missense changes on protein structure and function (PolyPhen-2) suggests that this variant is likely to be tolerated. In summary, the available evidence is currently insufficient to determine the role of this variant in disease. Therefore, it has been classified as a Variant of Uncertain Significance.